The following is an entry in ClinVar:

ClinVar aggregate classification (germline): Pathogenic/Likely pathogenic. Review status: criteria provided, multiple submitters, no conflicts (2 of 4 stars). 2 submissions from 2 submitters: Pathogenic (1); Likely pathogenic (1). Last evaluated 2025-11-13.

Conditions:
SPINK5-related disorder. Also called: SPINK5-related condition.
Ichthyosis linearis circumflexa. Identifiers: MedGen C0265962, MONDO:0043106, HP:0025810.

Allele frequency attached by ClinVar (database versions not stated): ExAC 0.00001.
gnomAD v4.1: 14 of 1,595,832 alleles (0.00088%); highest among the groups gnomAD compares: South Asian, 0.0034%; no homozygotes.

Submissions (2):

Labcorp Genetics (formerly Invitae), Labcorp
Classification: Pathogenic for Ichthyosis linearis circumflexa. Last evaluated: 2025-11-13. Review status: criteria provided, single submitter. Criteria: Invitae Variant Classification Sherloc (09022015). Collection method: clinical testing. Allele origin: germline.
Comment: This sequence change creates a premature translational stop signal (p.Arg891*) in the SPINK5 gene. It is expected to result in an absent or disrupted protein product. Loss-of-function variants in SPINK5 are known to be pathogenic (PMID: 11511292, 11841556). The frequency data for this variant in the population databases is considered unreliable, as metrics indicate poor data quality at this position in the gnomAD database. This variant has not been reported in the literature in individuals affected with SPINK5-related conditions. ClinVar contains an entry for this variant (Variation ID: 852460). Algorithms developed to predict the effect of sequence changes on RNA splicing suggest that this variant may disrupt the consensus splice site. For these reasons, this variant has been classified as Pathogenic.

Blueprint Genetics
Classification: Likely pathogenic for SPINK5-related disorders. Last evaluated: 2023-03-22. Review status: criteria provided, single submitter. Criteria: ACMG Guidelines, 2015. Collection method: clinical testing. Allele origin: germline. Affected: yes. Observed: 4 variant alleles.

Literature cited by the submitters: PubMed 11511292 (cited by Labcorp Genetics (formerly Invitae), Labcorp); PubMed 11841556 (cited by Labcorp Genetics (formerly Invitae), Labcorp).

NM_006846.4(SPINK5):c.2671C>T (p.Arg891Ter)

Gene: SPINK5 (serine peptidase inhibitor Kazal type 5; plus strand). Cytogenetic location: 5q32.
Variant type: single nucleotide variant.
Coding change: c.2671C>T on transcript NM_006846.4 (MANE Select); coding-DNA position 2671, C replaced by T.
Protein change: p.Arg891Ter; replaces arginine 891 with a stop codon.
Molecular consequence: nonsense.
Genome position (GRCh38, 1-based): chr5:148,124,769, C>T. VCF-style: chr5-148124769-C-T. GRCh37 (hg19) VCF-style: chr5-147504332-C-T.
Other names: c.2671C>T, p.Arg891Ter (NM_001127698.2, NM_001127699.2); short protein forms R891*.
Identifiers: ClinVar variation 852460 (VCV000852460.11), dbSNP rs749828824, ClinGen allele CA3496081.